The following is an entry in ClinVar:

NM_000535.7(PMS2):c.1026A>C (p.Gln342His)

Gene: PMS2 (PMS1 homolog 2, mismatch repair system component; minus strand). Cytogenetic location: 7p22.1.
Variant type: single nucleotide variant.
Coding change: c.1026A>C on transcript NM_000535.7 (MANE Select); coding-DNA position 1026, A replaced by C.
Protein change: p.Gln342His; replaces glutamine 342 with histidine.
Molecular consequence: missense variant. On other transcripts: non-coding transcript variant (1), intron variant (2).
Genome position (GRCh38, 1-based): chr7:5,989,918, T>G on the plus strand (A>C on the coding strand, the complement: PMS2 is on the minus strand). VCF-style: chr7-5989918-T-G. GRCh37 (hg19) VCF-style: chr7-6029549-T-G.
Other names: c.621A>C, p.Gln207His (NM_001322003.2, NM_001322004.2, NM_001322005.2 and 1 more transcripts); c.708A>C, p.Gln236His (NM_001322007.2, NM_001322008.2); c.93A>C, p.Gln31His (NM_001322011.2, NM_001322012.2); c.453A>C, p.Gln151His (NM_001322013.2); c.1026A>C, p.Gln342His (NM_001322014.2); c.717A>C, p.Gln239His (NM_001322015.2); c.583+2055A>C (NM_001322010.2); c.988+2055A>C (NM_001322006.2); short protein forms Q342H, Q151H, Q236H, Q31H, Q207H, Q239H.
Identifiers: ClinVar variation 185416 (VCV000185416.33), dbSNP rs561993366, ClinGen allele CA009119.

ClinVar aggregate classification (germline): Uncertain significance. Review status: criteria provided, multiple submitters, no conflicts (2 of 4 stars). 9 submissions from 9 submitters: Uncertain significance (9). Last evaluated 2025-10-13.

Conditions:
Inherited MMR deficiency (Lynch syndrome).
Hereditary nonpolyposis colorectal neoplasms. Identifiers: MedGen C0009405, MeSH D003123.
Hereditary cancer-predisposing syndrome. Also called: Hereditary neoplastic syndrome; Neoplastic Syndromes, Hereditary; Tumor predisposition; Hereditary Cancer Syndrome. Identifiers: Orphanet 140162, MedGen C0027672, MeSH D009386, MONDO:0015356.
Lynch syndrome. Identifiers: Orphanet 144, MedGen C4552100, MONDO:0005835. Disease mechanism: loss of function.
Lynch syndrome 4 (LYNCH4). Also called: Hereditary non-polyposis colorectal cancer, type 4; Colorectal cancer, hereditary nonpolyposis, type 4. Identifiers: Orphanet 144, MedGen C1838333, MONDO:0013699, OMIM 614337. Disease mechanism: loss of function.

Allele frequency attached by ClinVar (database versions not stated): TOPMed 0.00001.
gnomAD v4.1: 25 of 1,611,508 alleles (0.0016%); highest among the groups gnomAD compares: Non-Finnish European, 0.0021%; no homozygotes.

Submissions (9):

Labcorp Genetics (formerly Invitae), Labcorp
Classification: Uncertain significance for Hereditary nonpolyposis colorectal neoplasms. Last evaluated: 2025-10-13. Review status: criteria provided, single submitter. Criteria: Invitae Variant Classification Sherloc (09022015). Collection method: clinical testing. Allele origin: germline.
Comment: This sequence change replaces glutamine, which is neutral and polar, with histidine, which is basic and polar, at codon 342 of the PMS2 protein (p.Gln342His). This variant is present in population databases (rs561993366, gnomAD 0.002%). This missense change has been observed in individual(s) with clinical features of PMS2-related conditions (PMID: 31391288). ClinVar contains an entry for this variant (Variation ID: 185416). Invitae Evidence Modeling incorporating data from in vitro experimental studies (internal data) indicates that this missense variant is not expected to disrupt PMS2 function with a negative predictive value of 95%. In summary, the available evidence is currently insufficient to determine the role of this variant in disease. Therefore, it has been classified as a Variant of Uncertain Significance.

Ambry Genetics
Classification: Uncertain significance for Hereditary cancer-predisposing syndrome. Last evaluated: 2025-06-15. Review status: criteria provided, single submitter. Criteria: Ambry Variant Classification Scheme 2023. Collection method: clinical testing. Allele origin: germline.
Comment: The p.Q342H variant (also known as c.1026A>C), located in coding exon 10 of the PMS2 gene, results from an A to C substitution at nucleotide position 1026. The glutamine at codon 342 is replaced by histidine, an amino acid with highly similar properties. This alteration has been observed in one individual from a cohort of patients with Cowden/Cowden-like (CS/CS-like) and Bannayan-Riley-Ruvalcaba syndromes (BRRS) without PTEN mutations (Yehia L et al. PLoS Genet, 2018 04;14:e1007352). In another study, this variant was reported in 0/60,466 breast cancer cases and in 2/53,461 controls (Dorling et al. N Engl J Med. 2021 02;384:428-439). This amino acid position is highly conserved in available vertebrate species. In addition, this alteration is predicted to be deleterious by in silico analysis. Since supporting evidence is limited at this time, the clinical significance of this alteration remains unclear.

Color Diagnostics, LLC DBA Color Health
Classification: Uncertain significance for Hereditary cancer-predisposing syndrome. Last evaluated: 2025-03-04. Review status: criteria provided, single submitter. Criteria: ACMG Guidelines, 2015. Collection method: clinical testing. Allele origin: germline.
Comment: This missense variant replaces glutamine with histidine at codon 342 of the PMS2 protein. Computational prediction suggests that this variant may have deleterious impact on protein structure and function. To our knowledge, functional studies have not been reported for this variant. This variant has been reported in an individual affected with breast cancer (PMID: 25186627), as well as two unaffected controls in a large breast cancer case-control study (PMID: 33471991). This variant has been identified in 2/251024 chromosomes in the general population by the Genome Aggregation Database (gnomAD). The available evidence is insufficient to determine the role of this variant in disease conclusively. Therefore, this variant is classified as a Variant of Uncertain Significance.

Genomics and Molecular Medicine Service, East Genomic Laboratory Hub, NHS Genomic Medicine Service
Classification: Uncertain significance for Inherited MMR deficiency (Lynch syndrome). Last evaluated: 2024-11-19. Review status: criteria provided, single submitter. Criteria: ACGS Best Practice Guidelines for Variant Classification in Rare Disease 2020. Collection method: clinical testing. Allele origin: germline. Affected: yes.
Comment: PP3

All of Us Research Program, National Institutes of Health
Classification: Uncertain significance for Lynch syndrome. Last evaluated: 2024-05-17. Review status: criteria provided, single submitter. Criteria: ACMG Guidelines, 2015. Collection method: clinical testing. Allele origin: germline. Inheritance: Autosomal dominant inheritance. Observed: 7 variant alleles, 7 heterozygotes.
Comment: This missense variant replaces glutamine with histidine at codon 342 of the PMS2 protein. Computational prediction suggests that this variant may have deleterious impact on protein structure and function (internally defined REVEL score threshold >= 0.7, PMID: 27666373). To our knowledge, functional studies have not been reported for this variant. This variant has been reported in an individual affected with breast cancer (PMID: 25186627), as well as two unaffected controls in a large breast cancer case-control study (PMID: 33471991). This variant has been identified in 2/251024 chromosomes in the general population by the Genome Aggregation Database (gnomAD). The available evidence is insufficient to determine the role of this variant in disease conclusively. Therefore, this variant is classified as a Variant of Uncertain Significance.

This study involves interpretation of variants in research participants for the purpose of population health screening. Participant phenotype was not available at the time of variant classification. Additional details can be found in publication PMID: 35346344, PMCID: PMC8962531

GeneDx
Classification: Uncertain significance. Last evaluated: 2023-11-13. Review status: criteria provided, single submitter. Criteria: GeneDx Variant Classification Process June 2021. Collection method: clinical testing. Allele origin: germline. Affected: yes.
Comment: Not observed at significant frequency in large population cohorts (gnomAD); In silico analysis supports that this missense variant has a deleterious effect on protein structure/function; Observed in individuals with breast cancer and in a cohort of patients with Cowden syndrome or Bannayan-Riley-Ruvalcaba syndrome without identifiable PTEN variants (PMID: 25186627, 29684080, 33471991); This variant is associated with the following publications: (PMID: 22895193, 25186627, 29684080, 11574484, 31391288, 33471991)

Women's Health and Genetics/Laboratory Corporation of America, LabCorp
Classification: Uncertain significance. Last evaluated: 2023-06-05. Review status: criteria provided, single submitter. Criteria: LabCorp Variant Classification Summary - May 2015. Collection method: clinical testing. Allele origin: germline.
Comment: Variant summary: PMS2 c.1026A>C (p.Gln342His) results in a non-conservative amino acid change in the encoded protein sequence. Five of five in-silico tools predict a damaging effect of the variant on protein function. The variant allele was found at a frequency of 8e-06 in 251024 control chromosomes. The available data on variant occurrences in the general population are insufficient to allow any conclusion about variant significance. c.1026A>C has been reported in the literature in individuals affected with breast cancer or with clinical features of Cowden/Cowden-like (CS/CS-like) and Bannayan-Riley-Ruvalcaba syndromes (BRRS) without PTEN mutations (examples: Tung_2015, Yehia_2018). These report(s) do not provide unequivocal conclusions about association of the variant with Lynch Syndrome. Co-occurrences with other pathogenic variant(s) have been reported (MSH6 c.2057G>A, p.Gly686Asp), providing supporting evidence for a benign role. To our knowledge, no experimental evidence demonstrating an impact on protein function has been reported. The following publications have been ascertained in the context of this evaluation (PMID: 25186627, 29684080). Five clinical diagnostic laboratories have submitted clinical-significance assessments for this variant to ClinVar after 2014 without evidence for independent evaluation. All laboratories classified the variant as uncertain significance. Based on the evidence outlined above, the variant was classified as uncertain significance.

Department of Pathology and Laboratory Medicine, Sinai Health System
Classification: Uncertain significance for Lynch syndrome. Last evaluated: 2020-12-22. Review status: criteria provided, single submitter. Criteria: ACMG Guidelines, 2015. Collection method: clinical testing. Allele origin: germline. Affected: yes.

Illumina Laboratory Services, Illumina
Classification: Uncertain significance for Lynch syndrome 4. Last evaluated: 2018-01-12. Review status: criteria provided, single submitter. Criteria: ICSL Variant Classification Criteria 13 December 2019. Collection method: clinical testing. Allele origin: germline.

Literature cited by the submitters: PubMed 31391288 (cited by Labcorp Genetics (formerly Invitae), Labcorp); PubMed 25186627 (cited by 4 submitters); PubMed 29684080 (cited by Ambry Genetics and Women's Health and Genetics/Laboratory Corporation of America, LabCorp); PubMed 33471991 (cited by 3 submitters).